The following is an entry in ClinVar:

NM_001737.5(C9):c.508A>T (p.Thr170Ser)

Gene: C9 (complement C9; minus strand). Cytogenetic location: 5p13.1.
Variant type: single nucleotide variant.
Coding change: c.508A>T on transcript NM_001737.5 (MANE Select); coding-DNA position 508, A replaced by T.
Protein change: p.Thr170Ser; replaces threonine 170 with serine.
Molecular consequence: missense variant.
Genome position (GRCh38, 1-based): chr5:39,331,783, T>A on the plus strand (A>T on the coding strand, the complement: C9 is on the minus strand). VCF-style: chr5-39331783-T-A. GRCh37 (hg19) VCF-style: chr5-39331885-T-A.
Other names: short protein forms T170S.
Identifiers: ClinVar variation 2060856 (VCV002060856.1), dbSNP rs765979000, ClinGen allele CA3246974.

ClinVar aggregate classification (germline): Uncertain significance (1 of 4 stars; one submission).

Allele frequency attached by ClinVar (database versions not stated): gnomAD 0.00005; ExAC 0.00007; TOPMed 0.00007.
gnomAD v4.1: 62 of 1,613,198 alleles (0.0038%); highest among the groups gnomAD compares: East Asian, 0.14%; no homozygotes.

Submission:

Labcorp Genetics (formerly Invitae), Labcorp
Classification: Uncertain significance. Last evaluated: 2022-08-06. Review status: criteria provided, single submitter. Criteria: Invitae Variant Classification Sherloc (09022015). Collection method: clinical testing. Allele origin: germline.
Comment: This sequence change replaces threonine, which is neutral and polar, with serine, which is neutral and polar, at codon 170 of the C9 protein (p.Thr170Ser). This variant is present in population databases (rs765979000, gnomAD 0.1%). This variant has not been reported in the literature in individuals affected with C9-related conditions. Algorithms developed to predict the effect of missense changes on protein structure and function output the following: SIFT: "Not Available"; PolyPhen-2: "Benign"; Align-GVGD: "Not Available". The serine amino acid residue is found in multiple mammalian species, which suggests that this missense change does not adversely affect protein function. In summary, the available evidence is currently insufficient to determine the role of this variant in disease. Therefore, it has been classified as a Variant of Uncertain Significance.